The following is an entry in ClinVar:

NM_001348945.2(ABCB1):c.117G>A (p.Pro39=)

Gene: ABCB1 (ATP binding cassette subfamily B member 1; minus strand). Cytogenetic location: 7q21.12.
Variant type: single nucleotide variant.
Coding change: c.117G>A on transcript NM_001348945.2; coding-DNA position 117, G replaced by A.
Protein change: p.Pro39=; no amino-acid change (proline 39 retained).
Molecular consequence: synonymous variant. On other transcripts: 5 prime UTR variant (2).
Genome position (GRCh38, 1-based): chr7:87,600,989, C>T on the plus strand (G>A on the coding strand, the complement: ABCB1 is on the minus strand). VCF-style: chr7-87600989-C-T. GRCh37 (hg19) VCF-style: chr7-87230305-C-T.
Other names: c.-241G>A (NM_000927.5); c.-94G>A (NM_001348944.2).
Identifiers: ClinVar variation 3043940 (VCV003043940.2), dbSNP rs35265821, ClinGen allele CA162474309.
Genomic context (GRCh38, chr7:87,600,989, plus strand): 5'-AGCCCACGCCCCGGCGCTGTTCCTGCCCAGCCAATCAGCCTCACCACAGATGACTGCTCC[C>T]GGCCCGGATTGACTGAATGCTGATTCCTCGAGAAACTGCGAAACAGGTTGAATTTCCAGG-3'

ClinVar aggregate classification (germline): Likely benign (0 of 4 stars; one submission).

Conditions:
ABCB1-related disorder. Also called: ABCB1-related condition.

Allele frequency attached by ClinVar (database versions not stated): 1000 Genomes Project 0.00060; 1000 Genomes Project 30x 0.00078; TOPMed 0.00175.

Submission:

PreventionGenetics, part of Exact Sciences
Classification: Likely benign for ABCB1-related condition. Last evaluated: 2019-02-21. Review status: no assertion criteria provided. Collection method: clinical testing. Allele origin: germline.
Comment: This variant is classified as likely benign based on ACMG/AMP sequence variant interpretation guidelines (Richards et al. 2015 PMID: 25741868, with internal and published modifications).